The following is an entry in ClinVar:

ClinVar aggregate classification (germline): Pathogenic. Review status: criteria provided, multiple submitters, no conflicts (2 of 4 stars). 12 submissions from 12 submitters: Pathogenic (11). 1 of the submissions does not count toward it. Last evaluated 2026-08-27.

Conditions:
Gastric cancer. Also called: Malignant tumor of stomach; Stomach cancer. Identifiers: MedGen C0024623, MeSH D013274, MONDO:0001056, OMIM 613659, HP:0012126.
ATM-related disorder. Also called: ATM-related disorders; ATM-related condition.
Hereditary cancer-predisposing syndrome. Also called: Neoplastic Syndromes, Hereditary; Hereditary neoplastic syndrome; Tumor predisposition; Hereditary Cancer Syndrome. Identifiers: Orphanet 140162, MedGen C0027672, MeSH D009386, MONDO:0015356.
ATM-related cancer predisposition. Also called: ATM-related cancer susceptibility. Identifiers: MedGen CN377759, MONDO:0700270.
Familial cancer of breast. Also called: hereditary breast carcinoma; Hereditary breast cancer; BREAST CANCER, FAMILIAL. Identifiers: Orphanet 227535, MedGen C0346153, MONDO:0016419, OMIM 114480. Disease mechanism: loss of function.
Ataxia-telangiectasia syndrome (AT). Also called: Ataxia telangiectasia (A-T); Cerebello-oculocutaneous telangiectasia; Immunodeficiency with ataxia telangiectasia; LOUIS-BAR SYNDROME; AT, COMPLEMENTATION GROUP C; ATAXIA-TELANGIECTASIA, FRESNO VARIANT. Identifiers: Orphanet 100, MedGen C0004135, MONDO:0008840, OMIM 208900.

Allele frequency attached by ClinVar (database versions not stated): ESP Exome Variant Server 0.00015; gnomAD 0.00001; ExAC 0.00001; TOPMed 0.00002.
gnomAD v4.1: 4 of 1,612,056 alleles (0.00025%); highest among the groups gnomAD compares: Admixed American, 0.0017%; no homozygotes.

Submissions (12):

Hema, HEMA – Genetic and Molecular Diagnostic Laboratory
Classification: Pathogenic for ATM-related cancer predisposition. Last evaluated: 2026-08-27. Review status: criteria provided, single submitter. Criteria: HEMA Variant Classification Assertion Criteria. Collection method: clinical testing. Allele origin: germline.
Comment: The c.7792C>T p.(Arg2598*) variant is a transition from cytosine to thymine that results in a premature stop codon at position 2598 of the ATM protein. PVS1: Null variant (nonsense) in a gene for which loss of function is a known disease mechanism. It is a nonsense variant that introduces a premature stop codon in exon 53/63, which is predicted to lead to nonsense-mediated decay (NMD) of the transcript. PM3_VeryStrong: The variant has been identified in 3 individuals with ataxia-telangiectasia: 2 in trans with a pathogenic variant, and 1 with a pathogenic variant of unknown phase (PMID: 10416970, 10864201, 15039971, 26677768). PM2_Supporting: Present at very low frequency in the gnomAD v4.1.1 database. PP1: The variant cosegregated with ataxia-telangiectasia in an affected individual (PMID: 10864201).

Labcorp Genetics (formerly Invitae), Labcorp
Classification: Pathogenic for Ataxia-telangiectasia syndrome. Last evaluated: 2025-12-15. Review status: criteria provided, single submitter. Criteria: Invitae Variant Classification Sherloc (09022015). Collection method: clinical testing. Allele origin: germline.
Comment: This sequence change creates a premature translational stop signal (p.Arg2598*) in the ATM gene. It is expected to result in an absent or disrupted protein product. Loss-of-function variants in ATM are known to be pathogenic (PMID: 23807571, 25614872). The frequency data for this variant in the population databases is considered unreliable, as metrics indicate poor data quality at this position in the gnomAD database. This premature translational stop signal has been observed in individual(s) with ataxia-telangiectasia (PMID: 8808599, 10864201, 12815592, 26677768). In at least one individual the data is consistent with being in trans (on the opposite chromosome) from a pathogenic variant. ClinVar contains an entry for this variant (Variation ID: 265383). Studies have shown that this premature translational stop signal is associated with inconclusive levels of altered splicing (internal data). For these reasons, this variant has been classified as Pathogenic.

Color Diagnostics, LLC DBA Color Health
Classification: Pathogenic for Hereditary cancer-predisposing syndrome. Last evaluated: 2025-11-17. Review status: criteria provided, single submitter. Criteria: ACMG Guidelines, 2015. Collection method: clinical testing. Allele origin: germline.
Comment: This variant changes 1 nucleotide in exon 53 of the ATM gene, creating a premature translation stop signal. This variant is expected to result in an absent or non-functional protein product. This variant has been reported in individuals affected with ataxia-telangiectasia (PMID: 8808599, 10416970, 10864201, 12815592, 15039971, 26677768). This variant has been identified in 4/1612056 chromosomes in the general population by the Genome Aggregation Database (gnomAD). Loss of ATM function is a known mechanism of disease. Based on the available evidence, this variant is classified as Pathogenic.

Ambry Genetics
Classification: Pathogenic for Hereditary cancer-predisposing syndrome. Last evaluated: 2025-10-03. Review status: criteria provided, single submitter. Criteria: Ambry Variant Classification Scheme 2023. Collection method: clinical testing. Allele origin: germline.
Comment: The p.R2598* pathogenic mutation (also known as c.7792C>T), located in coding exon 52 of the ATM gene, results from a C to T substitution at nucleotide position 7792. This changes the amino acid from an arginine to a stop codon within coding exon 52. In addition to the clinical data presented in the literature, this alteration is expected to result in loss of function by premature protein truncation or nonsense-mediated mRNA decay. As such, this alteration is interpreted as a disease-causing mutation.

Blueprint Genetics
Classification: Pathogenic for ATM-related disorders. Last evaluated: 2024-04-05. Review status: criteria provided, single submitter. Criteria: ACMG Guidelines, 2015. Collection method: clinical testing. Allele origin: germline. Affected: yes. Observed: 3 variant alleles.

Myriad Genetics, Inc.
Classification: Pathogenic for Familial cancer of breast. Last evaluated: 2024-02-01. Review status: criteria provided, single submitter. Criteria: Myriad Autosomal Dominant, Autosomal Recessive and X-Linked Classification Criteria (2023). Collection method: clinical testing. Allele origin: unknown.
Comment: This variant is considered pathogenic. This variant creates a termination codon and is predicted to result in premature protein truncation.

Baylor Genetics
Classification: Pathogenic for Familial cancer of breast. Last evaluated: 2023-11-22. Review status: criteria provided, single submitter. Criteria: ACMG Guidelines, 2015. Collection method: clinical testing. Allele origin: unknown.

GeneDx
Classification: Pathogenic. Last evaluated: 2023-01-12. Review status: criteria provided, single submitter. Criteria: GeneDx Variant Classification Process June 2021. Collection method: clinical testing. Allele origin: germline. Affected: yes.
Comment: Nonsense variant predicted to result in protein truncation or nonsense mediated decay in a gene for which loss of function is a known mechanism of disease; Not observed at significant frequency in large population cohorts (gnomAD); Truncating variants in this gene are considered pathogenic by a well-established clinical consortium and/or database; Observed in at least three ataxia-telangiectasia patients, two of whom were identified to carry a second ATM truncating variant (Wright et al., 1996; Mitui et al., 2003; Lin et al., 2015); This variant is associated with the following publications: (PMID: 12815592, 25525159, 26677768, 8808599, 26053404, 32255556, 31948886, 32853339, 15039971, 25614872, 29922827, 10416970, 23807571, 35014770, 34954471, 35365198, 10864201, Zhang2017[preprint], Sultanbeav2021[poster])

Rady Children's Institute for Genomic Medicine, Rady Children's Hospital San Diego
Classification: Pathogenic for ATM-Related Disorders. Last evaluated: 2020-10-16. Review status: criteria provided, single submitter. Criteria: ACMG Guidelines, 2015. Collection method: clinical testing. Allele origin: germline. Affected: yes.
Comment: This nonsense variant found in exon 53 of 63 is predicted to result in loss of normal protein function through either protein truncation or nonsense-mediated mRNA decay (NMD). This variant has been reported as compound heterozygous change in patients with ataxia-telangiectasia (PMID: 8808599, 12815592, 10864201, 26677768). It has also been reported as a heterozygous change in an individual with pancreatic cancer (PMID: 32255556). It is present in the heterozygous state in the gnomAD population database at a frequency of 0.001% (3/249878) and thus is presumed to be rare. Based on the available evidence, the c.7792C>T (p.Arg2598Ter) variant is classified as Pathogenic.

Fulgent Genetics
Classification: Pathogenic for Familial cancer of breast; Ataxia-telangiectasia syndrome. Last evaluated: 2018-10-31. Review status: criteria provided, single submitter. Criteria: ACMG Guidelines, 2015. Collection method: clinical testing. Allele origin: unknown.

Juno Genomics, Hangzhou Juno Genomics, Inc
Classification: Pathogenic for Familial cancer of breast; Ataxia-telangiectasia syndrome. Review status: criteria provided, single submitter. Criteria: ACMG Guidelines, 2015. Collection method: clinical testing. Allele origin: germline.
Comment: Absent from controls (or at extremely low frequency if recessive) in Genome Aggregation Database.;Null variant in a gene where loss of function (LOF) is a known mechanism of disease.;For recessive disorders, detected in trans with a pathogenic variant.;Co-segregation with disease in multiple affected family members.

Laboratory for Genotyping Development, RIKEN
Classification: Pathogenic for Gastric cancer. Last evaluated: 2021-07-01. Review status: no assertion criteria provided. Collection method: research. Allele origin: germline. Not counted in ClinVar's aggregate classification.

Literature cited by the submitters: PubMed 10416970 (cited by 3 submitters); PubMed 10864201 (cited by 3 submitters); PubMed 15039971 (cited by 3 submitters); PubMed 26677768 (cited by 4 submitters); PubMed 23807571 (cited by Labcorp Genetics (formerly Invitae), Labcorp); PubMed 25614872 (cited by Labcorp Genetics (formerly Invitae), Labcorp); PubMed 8808599 (cited by 3 submitters); PubMed 12815592 (cited by 3 submitters); PubMed 36988593 (cited by Laboratory for Genotyping Development, RIKEN).

NM_000051.4(ATM):c.7792C>T (p.Arg2598Ter)

Genes: ATM (ATM serine/threonine kinase; plus strand), C11orf65 (chromosome 11 open reading frame 65; minus strand). Cytogenetic location: 11q22.3.
Variant type: single nucleotide variant.
Coding change: c.7792C>T on transcript NM_000051.4 (MANE Select); coding-DNA position 7792, C replaced by T.
Protein change: p.Arg2598Ter; replaces arginine 2598 with a stop codon.
Molecular consequence: nonsense. On other transcripts: intron variant (2).
Genome position (GRCh38, 1-based): chr11:108,332,765, C>T. VCF-style: chr11-108332765-C-T. GRCh37 (hg19) VCF-style: chr11-108203492-C-T.
Other names: c.7792C>T, p.Arg2598Ter (NM_001351834.2); c.641-23694G>A (NM_001330368.2); c.*38+2455G>A (NM_001351110.2); short protein forms R2598*.
Identifiers: ClinVar variation 265383 (VCV000265383.43), dbSNP rs138941496, ClinGen allele CA6266193.